The following is an entry in ClinVar:

ClinVar aggregate classification (germline): Uncertain significance (1 of 4 stars; one submission).

Submission:

GeneDx
Classification: Uncertain significance. Last evaluated: 2024-08-22. Review status: criteria provided, single submitter. Criteria: GeneDx Variant Classification Process June 2021. Collection method: clinical testing. Allele origin: germline. Affected: yes.
Comment: Frameshift variant predicted to result in protein truncation or nonsense mediated decay in a gene or region of a gene for which loss of function is not a well-established mechanism of disease; Not observed at significant frequency in large population cohorts (gnomAD); Has not been previously published as pathogenic or benign to our knowledge

NM_012199.5(AGO1):c.1606dup (p.Thr536fs)

Gene: AGO1 (argonaute RISC component 1; plus strand). Cytogenetic location: 1p34.3.
Variant type: Duplication.
Coding change: c.1606dup on transcript NM_012199.5 (MANE Select); coding-DNA position 1606, one base duplicated (A; older notation c.1606dupA).
Protein change: p.Thr536fs; shifts the reading frame from threonine 536.
Molecular consequence: frameshift variant.
Genome position (GRCh38, 1-based): chr1:35,913,865, A duplicated. VCF-style (leftmost placement, unchanged base first): chr1-35913864-T-TA. GRCh37 (hg19) VCF-style: chr1-36379465-T-TA.
Other names: c.1606dup, p.Thr536fs (NM_001317122.2); c.1381dup, p.Thr461fs (NM_001317123.2); short protein forms T461fs, T536fs.
Identifiers: ClinVar variation 3764330 (VCV003764330.1).